The following is an entry in ClinVar:

ClinVar aggregate classification (germline): Pathogenic (1 of 4 stars; one submission).

Conditions:
Hereditary cancer-predisposing syndrome. Also called: Neoplastic Syndromes, Hereditary; Tumor predisposition; Hereditary Cancer Syndrome; Hereditary neoplastic syndrome. Identifiers: Orphanet 140162, MedGen C0027672, MeSH D009386, MONDO:0015356.

Submission:

Ambry Genetics
Classification: Pathogenic for Hereditary cancer-predisposing syndrome. Last evaluated: 2026-03-16. Review status: criteria provided, single submitter. Criteria: Ambry Variant Classification Scheme 2023. Collection method: clinical testing. Allele origin: germline.
Comment: The c.980delC pathogenic mutation, located in coding exon 9 of the BRCA1 gene, results from a deletion of one nucleotide at nucleotide position 980, causing a translational frameshift with a predicted alternate stop codon (p.T327Nfs*14). This variant is considered to be rare based on population cohorts in the Genome Aggregation Database (gnomAD). This alteration is expected to result in loss of function by premature protein truncation or nonsense-mediated mRNA decay. As such, this alteration is interpreted as a disease-causing mutation.

NM_007294.4(BRCA1):c.980del (p.Thr327fs)

Gene: BRCA1 (BRCA1 DNA repair associated; minus strand). Cytogenetic location: 17q21.31.
Variant type: Deletion.
Coding change: c.980del on transcript NM_007294.4 (MANE Select); coding-DNA position 980, one base deleted (C; older notation c.980delC).
Protein change: p.Thr327fs; shifts the reading frame from threonine 327.
Molecular consequence: frameshift variant. On other transcripts: intron variant (137).
Genome position (GRCh38, 1-based): chr17:43,094,551, G deleted on the plus strand (C on the coding strand, the reverse complement: BRCA1 is on the minus strand). VCF-style (leftmost placement, unchanged base first): chr17-43094550-TG-T. GRCh37 (hg19) VCF-style: chr17-41246567-TG-T.
Other names: c.716del, p.Thr239fs (NM_001407921.1, NM_001407922.1, NM_001407923.1 and 9 more transcripts); c.713del, p.Thr238fs (NM_001407930.1, NM_001407931.1, NM_001407932.1 and 2 more transcripts); c.857del, p.Thr286fs (NM_001407937.1, NM_001407938.1, NM_001407863.1 and 19 more transcripts); c.839del, p.Thr280fs (NM_001407738.1, NM_001407739.1, NM_001407750.1 and 29 more transcripts); c.836del, p.Thr279fs (NM_001407740.1, NM_001407741.1, NM_001407742.1 and 20 more transcripts); c.664+193del (NM_001408427.1, NM_001408436.1, NM_001408444.1 and 12 more transcripts); c.523+193del (NM_001408496.1, NM_001408498.1, NM_001408501.1 and 3 more transcripts); c.646+193del (NM_001408460.1, NM_001408454.1, NM_001408467.1 and 11 more transcripts); and 40 more; short protein forms T159fs, T199fs, T200fs, T215fs, T216fs, T238fs, T239fs, T256fs.
Identifiers: ClinVar variation 4867694 (VCV004867694.1).